The following is an entry in ClinVar:

ClinVar aggregate classification (germline): Pathogenic (1 of 4 stars; one submission).

Conditions:
Hereditary cancer-predisposing syndrome. Also called: Hereditary neoplastic syndrome; Neoplastic Syndromes, Hereditary; Tumor predisposition; Hereditary Cancer Syndrome. Identifiers: Orphanet 140162, MedGen C0027672, MeSH D009386, MONDO:0015356.

Submission:

Ambry Genetics
Classification: Pathogenic for Hereditary cancer-predisposing syndrome. Last evaluated: 2025-04-28. Review status: criteria provided, single submitter. Criteria: Ambry Variant Classification Scheme 2023. Collection method: clinical testing. Allele origin: germline.
Comment: The c.7491_7492dupTT pathogenic mutation, located in coding exon 49 of the ATM gene, results from a duplication of TT at nucleotide position 7491, causing a translational frameshift with a predicted alternate stop codon (p.S2498Ffs*7). This variant is considered to be rare based on population cohorts in the Genome Aggregation Database (gnomAD). This alteration is expected to result in loss of function by premature protein truncation or nonsense-mediated mRNA decay. As such, this alteration is interpreted as a disease-causing mutation.

NM_000051.4(ATM):c.7491_7492dup (p.Ser2498fs)

Genes: C11orf65 (chromosome 11 open reading frame 65; minus strand), ATM (ATM serine/threonine kinase; plus strand). Cytogenetic location: 11q22.3.
Variant type: Duplication.
Coding change: c.7491_7492dup on transcript NM_000051.4 (MANE Select); coding-DNA positions 7491 to 7492, 2 bases duplicated (TT; older notation c.7491_7492dupTT).
Protein change: p.Ser2498fs; shifts the reading frame from serine 2498.
Molecular consequence: frameshift variant. On other transcripts: intron variant (2).
Genome position (GRCh38, 1-based): chr11:108,330,397-108,330,398, TT duplicated; duplicating any 2 consecutive bases within chr11:108,330,396-108,330,398 gives the same sequence; the c. name uses the placement nearest the transcript's 3' end. VCF-style (leftmost placement, unchanged base first): chr11-108330395-G-GTT. GRCh37 (hg19) VCF-style: chr11-108201122-G-GTT.
Other names: c.7491_7492dupTT (NM_000051.3); c.7491_7492dup, p.Ser2498fs (NM_001351834.2); c.641-21326_641-21325dup (NM_001330368.2); c.*38+4823_*38+4824dup (NM_001351110.2); short protein forms S2498fs.
Identifiers: ClinVar variation 1759158 (VCV001759158.3), dbSNP rs1591161470, ClinGen allele CA2580083372.